The following is an entry in ClinVar:

ClinVar aggregate classification (germline): Uncertain significance (1 of 4 stars; one submission).

Conditions:
COG7 congenital disorder of glycosylation (CDG2E). Also called: CONGENITAL DISORDER OF GLYCOSYLATION, TYPE IIe; CDG IIe. Identifiers: Orphanet 79333, MedGen C2931010, MONDO:0012118, OMIM 608779.

Allele frequency attached by ClinVar (database versions not stated): gnomAD exomes below 0.00001.
gnomAD v4.1: 5 of 1,614,182 alleles (0.00031%); highest among the groups gnomAD compares: Non-Finnish European, 0.00042%; no homozygotes.

Submission:

Labcorp Genetics (formerly Invitae), Labcorp
Classification: Uncertain significance for COG7 congenital disorder of glycosylation. Last evaluated: 2022-07-19. Review status: criteria provided, single submitter. Criteria: Invitae Variant Classification Sherloc (09022015). Collection method: clinical testing. Allele origin: germline.
Comment: In summary, the available evidence is currently insufficient to determine the role of this variant in disease. Therefore, it has been classified as a Variant of Uncertain Significance. Algorithms developed to predict the effect of missense changes on protein structure and function are either unavailable or do not agree on the potential impact of this missense change (SIFT: "Deleterious"; PolyPhen-2: "Probably Damaging"; Align-GVGD: "Class C0"). ClinVar contains an entry for this variant (Variation ID: 648494). This variant has not been reported in the literature in individuals affected with COG7-related conditions. This variant is not present in population databases (gnomAD no frequency). This sequence change replaces alanine, which is neutral and non-polar, with serine, which is neutral and polar, at codon 678 of the COG7 protein (p.Ala678Ser).

NM_153603.4(COG7):c.2032G>T (p.Ala678Ser)

Gene: COG7 (component of oligomeric golgi complex 7; minus strand). Cytogenetic location: 16p12.2.
Variant type: single nucleotide variant.
Coding change: c.2032G>T on transcript NM_153603.4 (MANE Select); coding-DNA position 2032, G replaced by T.
Protein change: p.Ala678Ser; replaces alanine 678 with serine.
Molecular consequence: missense variant.
Genome position (GRCh38, 1-based): chr16:23,392,494, C>A on the plus strand (G>T on the coding strand, the complement: COG7 is on the minus strand). VCF-style: chr16-23392494-C-A. GRCh37 (hg19) VCF-style: chr16-23403815-C-A.
Other names: short protein forms A678S.
Identifiers: ClinVar variation 648494 (VCV000648494.7), dbSNP rs1596904416, ClinGen allele CA395116310.